The following is an entry in ClinVar:

NM_018117.12(WDR11):c.289G>A (p.Val97Ile)

Gene: WDR11 (WD repeat domain 11; plus strand). Cytogenetic location: 10q26.12.
Variant type: single nucleotide variant.
Coding change: c.289G>A on transcript NM_018117.12 (MANE Select); coding-DNA position 289, G replaced by A.
Protein change: p.Val97Ile; replaces valine 97 with isoleucine.
Molecular consequence: missense variant.
Genome position (GRCh38, 1-based): chr10:120,858,733, G>A. VCF-style: chr10-120858733-G-A. GRCh37 (hg19) VCF-style: chr10-122618245-G-A.
Other names: short protein forms V97I.
Identifiers: ClinVar variation 1935650 (VCV001935650.5), dbSNP rs372051040, ClinGen allele CA5719406.

ClinVar aggregate classification (germline): Uncertain significance (1 of 4 stars; one submission).

Allele frequency attached by ClinVar (database versions not stated): TOPMed 0.00002; ESP Exome Variant Server 0.00008; ExAC 0.00009; gnomAD 0.00009; 1000 Genomes Project 30x 0.00016; 1000 Genomes Project 0.00020.
gnomAD v4.1: 179 of 1,614,186 alleles (0.011%); highest among the groups gnomAD compares: Non-Finnish European, 0.015%; no homozygotes.

Submission:

Labcorp Genetics (formerly Invitae), Labcorp
Classification: Uncertain significance. Last evaluated: 2024-07-10. Review status: criteria provided, single submitter. Criteria: Invitae Variant Classification Sherloc (09022015). Collection method: clinical testing. Allele origin: germline.
Comment: This sequence change replaces valine, which is neutral and non-polar, with isoleucine, which is neutral and non-polar, at codon 97 of the WDR11 protein (p.Val97Ile). This variant is present in population databases (rs372051040, gnomAD 0.02%). This variant has not been reported in the literature in individuals affected with WDR11-related conditions. ClinVar contains an entry for this variant (Variation ID: 1935650). An algorithm developed to predict the effect of missense changes on protein structure and function outputs the following: PolyPhen-2: "Benign". The isoleucine amino acid residue is found in multiple mammalian species, which suggests that this missense change does not adversely affect protein function. In summary, the available evidence is currently insufficient to determine the role of this variant in disease. Therefore, it has been classified as a Variant of Uncertain Significance.